The following is an entry in ClinVar:

ClinVar aggregate classification (germline): Likely pathogenic (1 of 4 stars; one submission).

Conditions:
Autosomal recessive limb-girdle muscular dystrophy type 2J (LGMDR10). Also called: Limb-girdle muscular dystrophy, type 2J; MUSCULAR DYSTROPHY, LIMB-GIRDLE, AUTOSOMAL RECESSIVE 10. Identifiers: Orphanet 140922, MedGen C1837342, MONDO:0012127, OMIM 608807.
Dilated cardiomyopathy 1G (CMD1G). Identifiers: Orphanet 154, MedGen C1858763, MONDO:0011400, OMIM 604145.

Submission:

Labcorp Genetics (formerly Invitae), Labcorp
Classification: Likely pathogenic for Dilated cardiomyopathy 1G; Autosomal recessive limb-girdle muscular dystrophy type 2J. Last evaluated: 2017-09-05. Review status: criteria provided, single submitter. Criteria: Invitae Variant Classification Sherloc (09022015). Collection method: clinical testing. Allele origin: germline.
Comment: This sequence change creates a premature translational stop signal (p.Asn30208Lysfs*5) in the TTN gene. It is expected to result in an absent or disrupted protein product. This variant is not present in population databases (ExAC no frequency). This variant has not been reported in the literature in individuals with TTN-related disease. This variant is found in the A-band of this gene. While this particular variant has not been reported in the literature, loss-of-function variants in the A-band of TTN are significantly overrepresented in individuals affected with dilated cardiomyopathy and are considered to be likely pathogenic for the disease (PMID: 25589632). For these reasons, this variant has been classified as Likely Pathogenic.

Literature cited by the submitters: PubMed 25589632.

NM_001267550.2(TTN):c.90623dup (p.Asn30208fs)

Genes: TTN-AS1 (TTN antisense RNA 1; plus strand), TTN (titin; minus strand). Cytogenetic location: 2q31.2.
Variant type: Duplication.
Coding change: c.90623dup on transcript NM_001267550.2 (MANE Select); coding-DNA position 90623, one base duplicated (A; older notation c.90623dupA).
Protein change: p.Asn30208fs; shifts the reading frame from asparagine 30208.
Molecular consequence: frameshift variant.
Genome position (GRCh38, 1-based): chr2:178,552,277, T duplicated on the plus strand (A on the coding strand, the reverse complement: TTN is on the minus strand); the first of 2 consecutive T bases (chr2:178,552,277-178,552,278); duplicating either gives the same sequence. VCF-style (leftmost placement, unchanged base first): chr2-178552276-A-AT. GRCh37 (hg19) VCF-style: chr2-179417003-A-AT.
Other names: c.85700dup, p.Asn28567fs (NM_001256850.1); c.63428dup, p.Asn21143fs (NM_003319.4); c.82919dup, p.Asn27640fs (NM_133378.4); c.63803dup, p.Asn21268fs (NM_133432.3); c.64004dup, p.Asn21335fs (NM_133437.4); c.90623dupA (NM_001267550.2); short protein forms N21268fs, N21335fs, N30208fs, N21143fs, N27640fs, N28567fs.
Identifiers: ClinVar variation 535004 (VCV000535004.1), dbSNP rs1553539620, ClinGen allele CA658795969.